The following is an entry in ClinVar:

NM_001128228.3(TPRN):c.1428G>A (p.Pro476=)

Gene: TPRN (taperin; minus strand). Cytogenetic location: 9q34.3.
Variant type: single nucleotide variant.
Coding change: c.1428G>A on transcript NM_001128228.3 (MANE Select); coding-DNA position 1428, G replaced by A.
Protein change: p.Pro476=; no amino-acid change (proline 476 retained).
Molecular consequence: synonymous variant.
Genome position (GRCh38, 1-based): chr9:137,199,284, C>T on the plus strand (G>A on the coding strand, the complement: TPRN is on the minus strand). VCF-style: chr9-137199284-C-T. GRCh37 (hg19) VCF-style: chr9-140093736-C-T.
Identifiers: ClinVar variation 4083648 (VCV004083648.8).

ClinVar aggregate classification (germline): Likely benign (1 of 4 stars; one submission).

Submission:

CeGaT Center for Human Genetics Tuebingen
Classification: Likely benign. Last evaluated: 2025-08-01. Review status: criteria provided, single submitter. Criteria: CeGaT Center For Human Genetics Tuebingen Variant Classification Criteria Version 2. Collection method: clinical testing. Allele origin: germline. Affected: yes. Observed: 1 variant allele.
Comment: TPRN: BP4, BP7